The following is an entry in ClinVar:

NM_000222.3(KIT):c.572A>C (p.Glu191Ala)

Gene: KIT (KIT proto-oncogene, receptor tyrosine kinase; plus strand). Cytogenetic location: 4q12.
Variant type: single nucleotide variant.
Coding change: c.572A>C on transcript NM_000222.3 (MANE Select); coding-DNA position 572, A replaced by C.
Protein change: p.Glu191Ala; replaces glutamic acid 191 with alanine.
Molecular consequence: missense variant.
Genome position (GRCh38, 1-based): chr4:54,698,518, A>C. VCF-style: chr4-54698518-A-C. GRCh37 (hg19) VCF-style: chr4-55564684-A-C.
Other names: c.572A>C, p.Glu191Ala (NM_001093772.2, NM_001385284.1, NM_001385285.1 and 4 more transcripts); short protein forms E191A.
Identifiers: ClinVar variation 4827653 (VCV004827653.1).

ClinVar aggregate classification (germline): Uncertain significance (1 of 4 stars; one submission).

Conditions:
Hereditary cancer-predisposing syndrome. Also called: Neoplastic Syndromes, Hereditary; Tumor predisposition; Hereditary Cancer Syndrome; Hereditary neoplastic syndrome. Identifiers: Orphanet 140162, MedGen C0027672, MeSH D009386, MONDO:0015356.

Submission:

Ambry Genetics
Classification: Uncertain significance for Hereditary cancer-predisposing syndrome. Last evaluated: 2026-03-06. Review status: criteria provided, single submitter. Criteria: Ambry Variant Classification Scheme 2023. Collection method: clinical testing. Allele origin: germline.
Comment: The p.E191A variant (also known as c.572A>C), located in coding exon 3 of the KIT gene, results from an A to C substitution at nucleotide position 572. The glutamic acid at codon 191 is replaced by alanine, an amino acid with dissimilar properties. This amino acid position is conserved. In addition, this alteration is predicted to be tolerated by in silico analysis. Based on the available evidence, the clinical significance of this variant remains unclear.